The following is an entry in ClinVar:

NM_001308093.3(GATA4):c.1010G>T (p.Gly337Val)

Gene: GATA4 (GATA binding protein 4). Cytogenetic location: 8p23.1.
Variant type: single nucleotide variant.
Coding change: c.1010G>T on transcript NM_001308093.3 (MANE Select); coding-DNA position 1010, G replaced by T.
Protein change: p.Gly337Val; replaces glycine 337 with valine.
Molecular consequence: missense variant.
Genome position (GRCh38, 1-based): chr8:11,756,944, G>T. VCF-style: chr8-11756944-G-T. GRCh37 (hg19) VCF-style: chr8-11614453-G-T.
Other names: c.389G>T, p.Gly130Val (NM_001308094.2, NM_001374273.1); c.263G>T, p.Gly88Val (NM_001374274.1); c.1007G>T, p.Gly336Val (NM_002052.5); short protein forms G337V, G336V, G130V, G88V.
Identifiers: ClinVar variation 4737343 (VCV004737343.1).

ClinVar aggregate classification (germline): Uncertain significance (1 of 4 stars; one submission).

Conditions:
Atrioventricular septal defect 4 (AVSD4). Identifiers: MedGen C3280781, MONDO:0013747, OMIM 614430.

gnomAD v4.1: 3 of 1,614,210 alleles (0.00019%); highest among the groups gnomAD compares: Non-Finnish European, 0.00025%; no homozygotes.

Submission:

Labcorp Genetics (formerly Invitae), Labcorp
Classification: Uncertain significance for Atrioventricular septal defect 4. Last evaluated: 2025-09-14. Review status: criteria provided, single submitter. Criteria: Invitae Variant Classification Sherloc (09022015). Collection method: clinical testing. Allele origin: germline.
Comment: This sequence change replaces glycine, which is neutral and non-polar, with valine, which is neutral and non-polar, at codon 336 of the GATA4 protein (p.Gly336Val). This variant is not present in population databases (gnomAD no frequency). This variant has not been reported in the literature in individuals affected with GATA4-related conditions. Invitae Evidence Modeling of protein sequence and biophysical properties (such as structural, functional, and spatial information, amino acid conservation, physicochemical variation, residue mobility, and thermodynamic stability) indicates that this missense variant is not expected to disrupt GATA4 protein function with a negative predictive value of 95%. In summary, the available evidence is currently insufficient to determine the role of this variant in disease. Therefore, it has been classified as a Variant of Uncertain Significance.